The following is an entry in ClinVar:

ClinVar aggregate classification (germline): Uncertain significance (1 of 4 stars; one submission).

Submission:

GeneDx
Classification: Uncertain significance. Last evaluated: 2025-07-26. Review status: criteria provided, single submitter. Criteria: GeneDx Variant Classification Process June 2021. Collection method: clinical testing. Allele origin: germline. Affected: yes.
Comment: Not observed at significant frequency in large population cohorts (gnomAD); In silico analysis supports that this missense variant has a deleterious effect on protein structure/function; Has not been previously published as pathogenic or benign to our knowledge

NM_001378778.1(MPDZ):c.1892G>C (p.Cys631Ser)

Gene: MPDZ (multiple PDZ domain crumbs cell polarity complex component; minus strand). Cytogenetic location: 9p23.
Variant type: single nucleotide variant.
Coding change: c.1892G>C on transcript NM_001378778.1 (MANE Select); coding-DNA position 1892, G replaced by C.
Protein change: p.Cys631Ser; replaces cysteine 631 with serine.
Molecular consequence: missense variant.
Genome position (GRCh38, 1-based): chr9:13,192,207, C>G on the plus strand (G>C on the coding strand, the complement: MPDZ is on the minus strand). VCF-style: chr9-13192207-C-G. GRCh37 (hg19) VCF-style: chr9-13192206-C-G.
Other names: c.1892G>C, p.Cys631Ser (NM_001261406.2, NM_001261407.2, NM_001330637.2 and 14 more transcripts); short protein forms C631S.
Identifiers: ClinVar variation 4686851 (VCV004686851.1).